The following is an entry in ClinVar:

ClinVar aggregate classification (germline): Pathogenic (1 of 4 stars; one submission).

Allele frequency attached by ClinVar (database versions not stated): gnomAD exomes 0.00001.
gnomAD v4.1: 9 of 1,613,524 alleles (0.00056%); highest among the groups gnomAD compares: Non-Finnish European, 0.00076%; no homozygotes.

Submission:

Labcorp Genetics (formerly Invitae), Labcorp
Classification: Pathogenic. Last evaluated: 2022-07-26. Review status: criteria provided, single submitter. Criteria: Invitae Variant Classification Sherloc (09022015). Collection method: clinical testing. Allele origin: germline.
Comment: For these reasons, this variant has been classified as Pathogenic. ClinVar contains an entry for this variant (Variation ID: 1452105). This variant has not been reported in the literature in individuals affected with ADAM9-related conditions. This variant is not present in population databases (gnomAD no frequency). This sequence change creates a premature translational stop signal (p.Arg474*) in the ADAM9 gene. It is expected to result in an absent or disrupted protein product. Loss-of-function variants in ADAM9 are known to be pathogenic (PMID: 19409519).

Literature cited by the submitters: PubMed 19409519.

NM_003816.3(ADAM9):c.1420C>T (p.Arg474Ter)

Gene: ADAM9 (ADAM metallopeptidase domain 9; plus strand). Cytogenetic location: 8p11.22.
Variant type: single nucleotide variant.
Coding change: c.1420C>T on transcript NM_003816.3 (MANE Select); coding-DNA position 1420, C replaced by T.
Protein change: p.Arg474Ter; replaces arginine 474 with a stop codon.
Molecular consequence: nonsense. On other transcripts: non-coding transcript variant (3).
Genome position (GRCh38, 1-based): chr8:39,055,601, C>T. VCF-style: chr8-39055601-C-T. GRCh37 (hg19) VCF-style: chr8-38913120-C-T.
Other names: short protein forms R474*.
Identifiers: ClinVar variation 1452105 (VCV001452105.6), dbSNP rs2129438784, ClinGen allele CA370743551.